The following is an entry in ClinVar:

NM_002335.4(LRP5):c.3004C>T (p.Arg1002Ter)

Gene: LRP5 (LDL receptor related protein 5; plus strand). Cytogenetic location: 11q13.2.
Variant type: single nucleotide variant.
Coding change: c.3004C>T on transcript NM_002335.4 (MANE Select); coding-DNA position 3004, C replaced by T.
Protein change: p.Arg1002Ter; replaces arginine 1002 with a stop codon.
Molecular consequence: nonsense.
Genome position (GRCh38, 1-based): chr11:68,416,504, C>T. VCF-style: chr11-68416504-C-T. GRCh37 (hg19) VCF-style: chr11-68183972-C-T.
Other names: c.1261C>T, p.Arg421Ter (NM_001291902.2); short protein forms R1002*, R421*.
Identifiers: ClinVar variation 2137183 (VCV002137183.4), dbSNP rs1565094961, ClinGen allele CA381620011.

ClinVar aggregate classification (germline): Pathogenic (1 of 4 stars; one submission).

Allele frequency attached by ClinVar (database versions not stated): gnomAD exomes below 0.00001.
gnomAD v4.1: 2 of 1,614,130 alleles (0.00012%); highest among the groups gnomAD compares: Non-Finnish European, 0.00017%; no homozygotes.

Submission:

Labcorp Genetics (formerly Invitae), Labcorp
Classification: Pathogenic. Last evaluated: 2022-07-05. Review status: criteria provided, single submitter. Criteria: Invitae Variant Classification Sherloc (09022015). Collection method: clinical testing. Allele origin: germline.
Comment: For these reasons, this variant has been classified as Pathogenic. Algorithms developed to predict the effect of sequence changes on RNA splicing suggest that this variant may create or strengthen a splice site. This premature translational stop signal has been observed in individual(s) with autosomal recessive osteoporosis with pseudoglioma (PMID: 22456437). This variant is not present in population databases (gnomAD no frequency). This sequence change creates a premature translational stop signal (p.Arg1002*) in the LRP5 gene. It is expected to result in an absent or disrupted protein product. Loss-of-function variants in LRP5 are known to be pathogenic (PMID: 11719191, 16252235, 25711638).

Literature cited by the submitters: PubMed 22456437; PubMed 11719191; PubMed 16252235; PubMed 25711638.